The following is an entry in ClinVar:

ClinVar aggregate classification (germline): Uncertain significance (1 of 4 stars; one submission).

Conditions:
Inborn genetic diseases. Identifiers: MedGen C0950123, MeSH D030342.

Allele frequency attached by ClinVar (database versions not stated): gnomAD 0.00001.

Submission:

Ambry Genetics
Classification: Uncertain significance for Inborn genetic diseases. Last evaluated: 2023-05-13. Review status: criteria provided, single submitter. Criteria: Ambry Variant Classification Scheme 2023. Collection method: clinical testing. Allele origin: germline.
Comment: The p.G67W variant (also known as c.199G>T), located in coding exon 1 of the ACD gene, results from a G to T substitution at nucleotide position 199. The glycine at codon 67 is replaced by tryptophan, an amino acid with highly dissimilar properties. This amino acid position is conserved. In addition, this alteration is predicted to be tolerated by in silico analysis. Since supporting evidence is limited at this time, the clinical significance of this alteration remains unclear.

NM_001082486.1(ACD):c.199G>T (p.Gly67Trp)

Gene: ACD (ACD shelterin complex subunit and telomerase recruitment factor; minus strand). Cytogenetic location: 16q22.1.
Variant type: single nucleotide variant.
Coding change: c.199G>T on transcript NM_001082486.1; coding-DNA position 199, G replaced by T.
Protein change: p.Gly67Trp; replaces glycine 67 with tryptophan.
Genome position (GRCh38, 1-based): chr16:67,660,280, C>A on the plus strand (G>T on the coding strand, the complement: ACD is on the minus strand). VCF-style: chr16-67660280-C-A. GRCh37 (hg19) VCF-style: chr16-67694183-C-A.
Other names: short protein forms G67W.
Identifiers: ClinVar variation 2562324 (VCV002562324.2), dbSNP rs1208257080, ClinGen allele CA396359434.